The following is an entry in ClinVar:

ClinVar aggregate classification (germline): Likely benign (1 of 4 stars; one submission).

Conditions:
Familial adenomatous polyposis 1 (FAP1). Also called: POLYPOSIS, ADENOMATOUS INTESTINAL; FAMILIAL ADENOMATOUS POLYPOSIS 1, ATTENUATED. Identifiers: MedGen C2713442, MONDO:0021056, OMIM 175100. Disease mechanism: loss of function.

Submission:

Myriad Genetics, Inc.
Classification: Likely benign for Familial adenomatous polyposis 1. Last evaluated: 2024-02-29. Review status: criteria provided, single submitter. Criteria: Myriad Autosomal Dominant, Autosomal Recessive and X-Linked Classification Criteria (2023). Collection method: clinical testing. Allele origin: unknown.
Comment: This variant is considered likely benign. This variant is intronic and is not expected to impact mRNA splicing.

NM_000038.6(APC):c.934-4A>C

Gene: APC (APC regulator of Wnt signaling pathway; plus strand). Cytogenetic location: 5q22.2.
Variant type: single nucleotide variant.
Coding change: c.934-4A>C on transcript NM_000038.6 (MANE Select); 4 bases into the intron before coding-DNA position 934, A replaced by C.
Molecular consequence: intron variant.
Genome position (GRCh38, 1-based): chr5:112,818,962, A>C. VCF-style: chr5-112818962-A-C. GRCh37 (hg19) VCF-style: chr5-112154659-A-C.
Other names: c.85-4A>C (NM_001407470.1, NM_001354906.2); c.85-307A>C (NM_001407472.1, NM_001407471.1); c.934-4A>C (NM_001407447.1, NM_001354895.2, NM_001407448.1 and 4 more transcripts); c.934-307A>C (NM_001407456.1, NM_001407460.1, NM_001407457.1 and 5 more transcripts); c.850-4A>C (NM_001407452.1, NM_001354899.2); c.850-307A>C (NM_001407469.1, NM_001407467.1); c.964-4A>C (NM_001407446.1, NM_001354897.2); c.964-307A>C (NM_001354902.2); and 5 more.
Identifiers: ClinVar variation 3148756 (VCV003148756.1), dbSNP rs2149778568, ClinGen allele CA2709979120.
Genomic context (GRCh38, chr5:112,818,962, plus strand): 5'-AATTGGTTTTTGGCTTTTGGATATTAAAGTCGTAATTTTGTTTCTAAACTCATTTGGCCC[A>C]CAGGTGGAAATGGTGTATTCATTGTTGTCAATGCTTGGTACTCATGATAAGGATGATATG-3'